The following is an entry in ClinVar:

NM_000283.4(PDE6B):c.1192G>A (p.Val398Ile)

Gene: PDE6B (phosphodiesterase 6B; plus strand). Cytogenetic location: 4p16.3.
Variant type: single nucleotide variant.
Coding change: c.1192G>A on transcript NM_000283.4 (MANE Select); coding-DNA position 1192, G replaced by A.
Protein change: p.Val398Ile; replaces valine 398 with isoleucine.
Molecular consequence: missense variant.
Genome position (GRCh38, 1-based): chr4:656,958, G>A. VCF-style: chr4-656958-G-A. GRCh37 (hg19) VCF-style: chr4-650747-G-A.
Other names: c.1192G>A, p.Val398Ile (NM_001145291.2); c.355G>A, p.Val119Ile (NM_001145292.2, NM_001350154.3, NM_001379246.1 and 1 more transcripts); c.37G>A, p.Val13Ile (NM_001350155.3); short protein forms V13I, V398I, V119I.
Identifiers: ClinVar variation 1936813 (VCV001936813.6), dbSNP rs968368477, ClinGen allele CA91083641.

ClinVar aggregate classification (germline): Uncertain significance. Review status: criteria provided, multiple submitters, no conflicts (2 of 4 stars). 2 submissions from 2 submitters: Uncertain significance (2). Last evaluated 2025-09-16.

Allele frequency attached by ClinVar (database versions not stated): gnomAD exomes below 0.00001; TOPMed below 0.00001; gnomAD 0.00001.
gnomAD v4.1: 4 of 1,613,066 alleles (0.00025%); highest among the groups gnomAD compares: Non-Finnish European, 0.00034%; no homozygotes.

Submissions (2):

Labcorp Genetics (formerly Invitae), Labcorp
Classification: Uncertain significance. Last evaluated: 2025-09-16. Review status: criteria provided, single submitter. Criteria: Invitae Variant Classification Sherloc (09022015). Collection method: clinical testing. Allele origin: germline.
Comment: This sequence change replaces valine, which is neutral and non-polar, with isoleucine, which is neutral and non-polar, at codon 398 of the PDE6B protein (p.Val398Ile). This variant is not present in population databases (gnomAD no frequency). This variant has not been reported in the literature in individuals affected with PDE6B-related conditions. ClinVar contains an entry for this variant (Variation ID: 1936813). Invitae Evidence Modeling of protein sequence and biophysical properties (such as structural, functional, and spatial information, amino acid conservation, physicochemical variation, residue mobility, and thermodynamic stability) indicates that this missense variant is not expected to disrupt PDE6B protein function with a negative predictive value of 95%. In summary, the available evidence is currently insufficient to determine the role of this variant in disease. Therefore, it has been classified as a Variant of Uncertain Significance.

Blueprint Genetics
Classification: Uncertain significance. Last evaluated: 2019-08-12. Review status: criteria provided, single submitter. Criteria: ACMG Guidelines, 2015. Collection method: clinical testing. Allele origin: germline.